The following is an entry in ClinVar:

ClinVar aggregate classification (germline): Uncertain significance (1 of 4 stars; one submission).

gnomAD v4.1: 1 of 1,613,950 alleles (0.000062%); highest among the groups gnomAD compares: Non-Finnish European, 0.000085%; no homozygotes.

Submission:

Labcorp Genetics (formerly Invitae), Labcorp
Classification: Uncertain significance. Last evaluated: 2020-10-19. Review status: criteria provided, single submitter. Criteria: Invitae Variant Classification Sherloc (09022015). Collection method: clinical testing. Allele origin: germline.
Comment: In summary, the available evidence is currently insufficient to determine the role of this variant in disease. Therefore, it has been classified as a Variant of Uncertain Significance. Algorithms developed to predict the effect of missense changes on protein structure and function (SIFT, PolyPhen-2, Align-GVGD) all suggest that this variant is likely to be tolerated, but these predictions have not been confirmed by published functional studies and their clinical significance is uncertain. This variant has not been reported in the literature in individuals with CRAT-related conditions. This variant is not present in population databases (ExAC no frequency). This sequence change replaces threonine with isoleucine at codon 265 of the CRAT protein (p.Thr265Ile). The threonine residue is weakly conserved and there is a moderate physicochemical difference between threonine and isoleucine.

NM_000755.5(CRAT):c.794C>T (p.Thr265Ile)

Gene: CRAT (carnitine O-acetyltransferase; minus strand). Cytogenetic location: 9q34.11.
Variant type: single nucleotide variant.
Coding change: c.794C>T on transcript NM_000755.5 (MANE Select); coding-DNA position 794, C replaced by T.
Protein change: p.Thr265Ile; replaces threonine 265 with isoleucine.
Molecular consequence: missense variant.
Genome position (GRCh38, 1-based): chr9:129,101,894, G>A on the plus strand (C>T on the coding strand, the complement: CRAT is on the minus strand). VCF-style: chr9-129101894-G-A. GRCh37 (hg19) VCF-style: chr9-131864173-G-A.
Other names: c.731C>T, p.Thr244Ile (NM_001257363.3, NM_001346548.2, NM_004003.4); c.797C>T, p.Thr266Ile (NM_001346546.2); c.794C>T, p.Thr265Ile (NM_001346547.2); c.674C>T, p.Thr225Ile (NM_001346549.2); short protein forms T225I, T244I, T265I, T266I.
Identifiers: ClinVar variation 1005625 (VCV001005625.8), dbSNP rs367866636, ClinGen allele CA375095906.